The following is an entry in ClinVar:

NM_000059.4(BRCA2):c.2590C>T (p.Gln864Ter)

Gene: BRCA2 (BRCA2 DNA repair associated; plus strand). Cytogenetic location: 13q13.1.
Variant type: single nucleotide variant.
Coding change: c.2590C>T on transcript NM_000059.4 (MANE Select); coding-DNA position 2590, C replaced by T.
Protein change: p.Gln864Ter; replaces glutamine 864 with a stop codon.
Molecular consequence: nonsense.
Genome position (GRCh38, 1-based): chr13:32,336,945, C>T. VCF-style: chr13-32336945-C-T. GRCh37 (hg19) VCF-style: chr13-32911082-C-T.
Other names: short protein forms Q864*.
Identifiers: ClinVar variation 409469 (VCV000409469.18), dbSNP rs1060502414, ClinGen allele CA16614253.

ClinVar aggregate classification (germline): Pathogenic. Review status: reviewed by expert panel (3 of 4 stars). 4 submissions from 4 submitters: Pathogenic (1). 3 of the submissions do not count toward it. Last evaluated 2017-12-15.

Conditions:
Hereditary breast ovarian cancer syndrome. Also called: Hereditary breast and ovarian cancer syndrome; Hereditary breast and/or ovarian cancer syndrome; BRCA1- and BRCA2-Associated Hereditary Breast and Ovarian Cancer; Hereditary breast and ovarian cancer syndrome (HBOC); Hereditary breast and ovarian cancer; Breast and ovarian cancer. Identifiers: Orphanet 145, MedGen C0677776, MeSH D061325, MONDO:0003582. Disease mechanism: loss of function.
Hereditary cancer-predisposing syndrome. Also called: Hereditary neoplastic syndrome; Neoplastic Syndromes, Hereditary; Tumor predisposition; Hereditary Cancer Syndrome. Identifiers: Orphanet 140162, MedGen C0027672, MeSH D009386, MONDO:0015356.
Breast-ovarian cancer, familial, susceptibility to, 2 (BROVCA2). Also called: BRCA2 Hereditary Breast and Ovarian Cancer. Identifiers: Orphanet 145, MedGen C2675520, MONDO:0012933, OMIM 612555. Disease mechanism: loss of function.

Allele frequency attached by ClinVar (database versions not stated): gnomAD exomes below 0.00001.

Submissions (4):

Evidence-based Network for the Interpretation of Germline Mutant Alleles (ENIGMA)
Classification: Pathogenic for Breast-ovarian cancer, familial, susceptibility to, 2. Last evaluated: 2017-12-15. Review status: reviewed by expert panel. Criteria: ENIGMA BRCA1/2 Classification Criteria (2017-06-29). Collection method: curation. Allele origin: germline. Study: ENIGMA.
Comment: Variant allele predicted to encode a truncated non-functional protein.

Labcorp Genetics (formerly Invitae), Labcorp
Classification: Pathogenic for Hereditary breast ovarian cancer syndrome. Last evaluated: 2025-12-10. Review status: criteria provided, single submitter. Criteria: Invitae Variant Classification Sherloc (09022015). Collection method: clinical testing. Allele origin: germline. Not counted in ClinVar's aggregate classification.
Comment: This sequence change creates a premature translational stop signal (p.Gln864*) in the BRCA2 gene. It is expected to result in an absent or disrupted protein product. Loss-of-function variants in BRCA2 are known to be pathogenic (PMID: 20104584). This variant is not present in population databases (gnomAD no frequency). This variant has not been reported in the literature in individuals affected with BRCA2-related conditions. ClinVar contains an entry for this variant (Variation ID: 409469). For these reasons, this variant has been classified as Pathogenic.

Ambry Genetics
Classification: Pathogenic for Hereditary cancer-predisposing syndrome. Last evaluated: 2025-05-07. Review status: criteria provided, single submitter. Criteria: Ambry Variant Classification Scheme 2023. Collection method: clinical testing. Allele origin: germline. Not counted in ClinVar's aggregate classification.
Comment: The c.2590C>T (p.Q864*) alteration, located in exon 11 (coding exon 10) of the BRCA2 gene, consists of a C to T substitution at nucleotide position 2590. This changes the amino acid from a glutamine (Q) to a stop codon at amino acid position 864. This alteration is expected to result in loss of function by premature protein truncation or nonsense-mediated mRNA decay. This variant was not reported in population-based cohorts in the Genome Aggregation Database (gnomAD). Based on the available evidence, this alteration is classified as pathogenic.

Quest Diagnostics Nichols Institute San Juan Capistrano
Classification: Likely pathogenic. Last evaluated: 2021-08-11. Review status: criteria provided, single submitter. Criteria: Quest Diagnostics criteria. Collection method: clinical testing. Allele origin: unknown. Not counted in ClinVar's aggregate classification.
Comment: This nonsense variant is predicted to cause the premature termination of BRCA2 protein synthesis. To the best of our knowledge, the variant has not been reported in the published literature. Based on the available information, this variant is classified as likely pathogenic.

Literature cited by the submitters: PubMed 20104584 (cited by Labcorp Genetics (formerly Invitae), Labcorp).